The following is an entry in ClinVar:

NM_001105206.3(LAMA4):c.4213G>C (p.Glu1405Gln)

Gene: LAMA4 (laminin subunit alpha 4; minus strand). Cytogenetic location: 6q21.
Variant type: single nucleotide variant.
Coding change: c.4213G>C on transcript NM_001105206.3 (MANE Select); coding-DNA position 4213, G replaced by C.
Protein change: p.Glu1405Gln; replaces glutamic acid 1405 with glutamine.
Molecular consequence: missense variant.
Genome position (GRCh38, 1-based): chr6:112,128,996, C>G on the plus strand (G>C on the coding strand, the complement: LAMA4 is on the minus strand). VCF-style: chr6-112128996-C-G. GRCh37 (hg19) VCF-style: chr6-112450198-C-G.
Other names: c.4192G>C, p.Glu1398Gln (NM_001105207.3, NM_002290.5); short protein forms E1398Q, E1405Q.
Identifiers: ClinVar variation 1738580 (VCV001738580.2), dbSNP rs2546992018, ClinGen allele CA365372211.

ClinVar aggregate classification (germline): Uncertain significance (1 of 4 stars; one submission).

Conditions:
Cardiovascular phenotype. Identifiers: MedGen CN230736.

Submission:

Ambry Genetics
Classification: Uncertain significance for Cardiovascular phenotype. Last evaluated: 2022-10-03. Review status: criteria provided, single submitter. Criteria: Ambry Variant Classification Scheme 2023. Collection method: clinical testing. Allele origin: germline.
Comment: The p.E1398Q variant (also known as c.4192G>C), located in coding exon 30 of the LAMA4 gene, results from a G to C substitution at nucleotide position 4192. The glutamic acid at codon 1398 is replaced by glutamine, an amino acid with highly similar properties. This amino acid position is conserved. In addition, this alteration is predicted to be tolerated by in silico analysis. Since supporting evidence is limited at this time, the clinical significance of this alteration remains unclear.